The following is an entry in ClinVar:

NM_000170.3(GLDC):c.1846A>G (p.Asn616Asp)

Gene: GLDC (glycine decarboxylase; minus strand). Cytogenetic location: 9p24.1.
Variant type: single nucleotide variant.
Coding change: c.1846A>G on transcript NM_000170.3 (MANE Select); coding-DNA position 1846, A replaced by G.
Protein change: p.Asn616Asp; replaces asparagine 616 with aspartic acid.
Molecular consequence: missense variant.
Genome position (GRCh38, 1-based): chr9:6,587,145, T>C on the plus strand (A>G on the coding strand, the complement: GLDC is on the minus strand). VCF-style: chr9-6587145-T-C. GRCh37 (hg19) VCF-style: chr9-6587145-T-C.
Other names: c.1846A>G (NM_000170.2); short protein forms N616D.
Identifiers: ClinVar variation 1452229 (VCV001452229.9), dbSNP rs2129831435, ClinGen allele CA372891112.

ClinVar aggregate classification (germline): Conflicting classifications of pathogenicity. Review status: criteria provided, conflicting classifications (1 of 4 stars). 2 submissions from 2 submitters: Pathogenic (1); Uncertain significance (1). Last evaluated 2025-07-10.

Conditions:
Glycine encephalopathy. Also called: Non-ketotic hyperglycinemia; Nonketotic hyperglycinemia. Identifiers: Orphanet 407, MedGen C0751748, MONDO:0011612, HP:0008288.

Submissions (2):

Women's Health and Genetics/Laboratory Corporation of America, LabCorp
Classification: Uncertain significance. Last evaluated: 2025-07-10. Review status: criteria provided, single submitter. Criteria: LabCorp Variant Classification Summary - May 2015. Collection method: clinical testing. Allele origin: germline.
Comment: Variant summary: GLDC c.1846A>G (p.Asn616Asp) results in a conservative amino acid change located in the Aromatic amino acid beta-eliminating lyase/threonine aldolase domain (IPR001597) of the encoded protein sequence. Algorithms developed to predict the effect of missense changes on protein structure and function are either unavailable or do not agree on the potential impact of this missense change. The variant was absent in 251438 control chromosomes (gnomAD). The available data on variant occurrences in the general population are insufficient to allow any conclusion about variant significance. c.1846A>G has been reported in the literature in at least one compound heterozygous individual with suspected classic Non-Ketotic Hyperglycinemia (example: Coughlin_2017). These data do not allow any conclusion about variant significance. To our knowledge, no experimental evidence demonstrating an impact on protein function has been reported. The following publication have been ascertained in the context of this evaluation (PMID: 27362913). ClinVar contains an entry for this variant (Variation ID: 1452229). Based on the evidence outlined above, the variant was classified as uncertain significance.

Labcorp Genetics (formerly Invitae), Labcorp
Classification: Pathogenic for Glycine encephalopathy. Last evaluated: 2021-09-06. Review status: criteria provided, single submitter. Criteria: Invitae Variant Classification Sherloc (09022015). Collection method: clinical testing. Allele origin: germline.
Comment: For these reasons, this variant has been classified as Pathogenic. Algorithms developed to predict the effect of sequence changes on RNA splicing suggest that this variant may create or strengthen a splice site. Advanced modeling of protein sequence and biophysical properties (such as structural, functional, and spatial information, amino acid conservation, physicochemical variation, residue mobility, and thermodynamic stability) performed at Invitae indicates that this missense variant is expected to disrupt GLDC protein function. This missense change has been observed in individual(s) with nonketotic hyperglycinemia (NKH) (PMID: 27362913). In at least one individual the data is consistent with the variant being in trans (on the opposite chromosome) from a pathogenic variant. This variant is not present in population databases (ExAC no frequency). This sequence change replaces asparagine with aspartic acid at codon 616 of the GLDC protein (p.Asn616Asp). The asparagine residue is highly conserved and there is a small physicochemical difference between asparagine and aspartic acid.

Literature cited by the submitters: PubMed 27362913 (cited by Women's Health and Genetics/Laboratory Corporation of America, LabCorp and Labcorp Genetics (formerly Invitae), Labcorp).